The following is an entry in ClinVar:

NM_000492.4(CFTR):c.3310G>T (p.Glu1104Ter)

Genes: CFTR-AS2 (CFTR antisense RNA 2; minus strand), CFTR (CF transmembrane conductance regulator; plus strand), LOC111674472 (DNase I hypersensitive sites in introns 16 and 17a of CFTR; plus strand). Cytogenetic location: 7q31.2.
Variant type: single nucleotide variant.
Coding change: c.3310G>T on transcript NM_000492.4 (MANE Select); coding-DNA position 3310, G replaced by T.
Protein change: p.Glu1104Ter; replaces glutamic acid 1104 with a stop codon.
Molecular consequence: nonsense.
Genome position (GRCh38, 1-based): chr7:117,611,751, G>T. VCF-style: chr7-117611751-G-T. GRCh37 (hg19) VCF-style: chr7-117251805-G-T.
Other names: short protein forms E1104*.
Identifiers: ClinVar variation 53715 (VCV000053715.19), dbSNP rs397508538, ClinGen allele CA328113.
Genomic context (GRCh38, chr7:117,611,751, plus strand): 5'-TTACATACTGCCAACTGGTTCTTGTACCTGTCAACACTGCGCTGGTTCCAAATGAGAATA[G>T]AAATGATTTTTGTCATCTTCTTCATTGCTGTTACCTTCATTTCCATTTTAACAACAGGTA-3'

ClinVar aggregate classification (germline): Pathogenic. Review status: reviewed by expert panel (3 of 4 stars). 9 submissions from 8 submitters: Pathogenic (1). 8 of the submissions do not count toward it. Last evaluated 2017-03-17.

Conditions:
CFTR-related disorder (CFTR-RD). Also called: CFTR-related condition; CFTR-related disorders. Identifiers: MedGen C5924204, MONDO:7770004.
Cystic fibrosis (CF). Also called: MUCOVISCIDOSIS. Identifiers: Orphanet 586, MedGen C0010674, MONDO:0009061, OMIM 219700. Disease mechanism: loss of function.

Submissions (9):

CFTR2
Classification: Pathogenic for Cystic fibrosis. Last evaluated: 2017-03-17. Review status: reviewed by expert panel. Criteria: Sosnay PR et al. (Nat Genet 2013). Collection method: research. Allele origin: germline. Affected: yes. Study: CFTR2.

Women's Health and Genetics/Laboratory Corporation of America, LabCorp
Classification: Pathogenic for Cystic fibrosis. Last evaluated: 2025-10-02. Review status: criteria provided, single submitter. Criteria: LabCorp Variant Classification Summary - May 2015. Collection method: clinical testing. Allele origin: germline. Not counted in ClinVar's aggregate classification.
Comment: Variant summary: CFTR c.3310G>T (p.Glu1104X) results in a premature termination codon, predicted to cause a truncation of the encoded protein or absence of the protein due to nonsense mediated decay, which are commonly known mechanisms for disease. The variant was absent in 251044 control chromosomes. c.3310G>T has been observed in multiple individuals affected with Cystic Fibrosis (e.g. Zielenski_1995, Sosnay_2013, desGeorges_2004, Fredj_2009). These data indicate that the variant is very likely to be associated with disease. To our knowledge, no experimental evidence demonstrating an impact on protein function has been reported. The following publications have been ascertained in the context of this evaluation (PMID: 7573058, 15698946, 23974870, 23640408). ClinVar contains an entry for this variant (Variation ID: 53715). Based on the evidence outlined above, the variant was classified as pathogenic.

Natera, Inc.
Classification: Pathogenic for CFTR-related disorders. Last evaluated: 2024-12-31. Review status: criteria provided, single submitter. Criteria: Natera Variant Classification Schema (03/2026). Collection method: clinical testing. Allele origin: germline. Not counted in ClinVar's aggregate classification.
Comment: The c.3310G>T variant in CFTR is a nonsense variant predicted to introduce a stop codon at amino acid 1104. This variant is expected to result in nonsense mediated decay, truncation, or a dysfunctional protein product. This variant is rare in the general population with a frequency below the threshold expected for the associated phenotype(s). This variant has been observed in one or more individuals affected with the associated recessive disease, as either homozygous or compound heterozygous with a second variant (PMID: 27019450). Given the available evidence, this variant is classified as Pathogenic.

Ambry Genetics
Classification: Pathogenic for Cystic fibrosis. Last evaluated: 2023-03-23. Review status: criteria provided, single submitter. Criteria: Ambry Variant Classification Scheme 2023. Collection method: clinical testing. Allele origin: germline. Not counted in ClinVar's aggregate classification.
Comment: The p.E1104* pathogenic mutation (also known as c.3310G>T), located in coding exon 20 of the CFTR gene, results from a G to T substitution at nucleotide position 3310. This changes the amino acid from a glutamic acid to a stop codon within coding exon 20. This alteration has been identified in the homozygous state in multiple individuals diagnosed with cystic fibrosis (Hadj Fredj S et al. Ann Hum Biol, 2011 Sep;38:561-3; Hamouda S et al. Afr Health Sci, 2020 Mar;20:444-452). This variant has been reported in multiple individuals with an elevated sweat chloride level in The Clinical and Functional TRanslation of CFTR (CFTR2) database (available at CFTR2. Accessed 03/23/2023). This variant is considered to be rare based on population cohorts in the Genome Aggregation Database (gnomAD). In addition to the clinical data presented in the literature, this alteration is expected to result in loss of function by premature protein truncation or nonsense-mediated mRNA decay. As such, this alteration is interpreted as a disease-causing mutation.

Labcorp Genetics (formerly Invitae), Labcorp
Classification: Pathogenic for Cystic fibrosis. Last evaluated: 2022-08-25. Review status: criteria provided, single submitter. Criteria: Invitae Variant Classification Sherloc (09022015). Collection method: clinical testing. Allele origin: germline. Not counted in ClinVar's aggregate classification.
Comment: This premature translational stop signal has been observed in individual(s) with cystic fibrosis (PMID: 7537150, 25481366). This sequence change creates a premature translational stop signal (p.Glu1104*) in the CFTR gene. It is expected to result in an absent or disrupted protein product. Loss-of-function variants in CFTR are known to be pathogenic (PMID: 1695717, 7691345, 9725922). This variant is not present in population databases (gnomAD no frequency). ClinVar contains an entry for this variant (Variation ID: 53715). For these reasons, this variant has been classified as Pathogenic.

Genome Diagnostics Laboratory, The Hospital for Sick Children
Classification: Pathogenic for Cystic fibrosis. Last evaluated: 2019-06-11. Review status: criteria provided, single submitter. Criteria: ACMG Guidelines, 2015. Collection method: clinical testing. Allele origin: germline. Not counted in ClinVar's aggregate classification.

CFTR-France
Classification: Pathogenic for cystic fibrosis. Last evaluated: 2018-01-29. Review status: criteria provided, single submitter. Criteria: Claustres M et al. (Hum Mutat 2017). Collection method: curation. Allele origin: germline. Affected: yes. Not counted in ClinVar's aggregate classification.

Genome Diagnostics Laboratory, The Hospital for Sick Children
Classification: Pathogenic for CFTR-related disorders. Last evaluated: 2019-06-11. Review status: no assertion criteria provided. Collection method: clinical testing. Allele origin: germline. Not counted in ClinVar's aggregate classification.

Counsyl
Classification: Pathogenic for Cystic fibrosis. Last evaluated: 2017-08-03. Review status: no assertion criteria provided. Collection method: clinical testing. Allele origin: unknown. Not counted in ClinVar's aggregate classification.

Literature cited by the submitters: PubMed 7573058 (cited by Women's Health and Genetics/Laboratory Corporation of America, LabCorp); PubMed 15698946 (cited by Women's Health and Genetics/Laboratory Corporation of America, LabCorp); PubMed 23974870 (cited by Women's Health and Genetics/Laboratory Corporation of America, LabCorp and Counsyl); PubMed 23640408 (cited by Women's Health and Genetics/Laboratory Corporation of America, LabCorp); PubMed 27019450 (cited by Natera, Inc.); PubMed 21329479 (cited by Ambry Genetics); PubMed 33402933 (cited by Ambry Genetics); PubMed 7537150 (cited by Labcorp Genetics (formerly Invitae), Labcorp); PubMed 25481366 (cited by Labcorp Genetics (formerly Invitae), Labcorp); PubMed 1695717 (cited by Labcorp Genetics (formerly Invitae), Labcorp); PubMed 7691345 (cited by Labcorp Genetics (formerly Invitae), Labcorp); PubMed 9725922 (cited by Labcorp Genetics (formerly Invitae), Labcorp).